The following is an entry in ClinVar:

NM_000161.3(GCH1):c.89C>G (p.Pro30Arg)

Genes: GCH1 (GTP cyclohydrolase 1; minus strand), LOC130055692 (ATAC-STARR-seq lymphoblastoid silent region 5776; plus strand). Cytogenetic location: 14q22.2.
Variant type: single nucleotide variant.
Coding change: c.89C>G on transcript NM_000161.3 (MANE Select); coding-DNA position 89, C replaced by G.
Protein change: p.Pro30Arg; replaces proline 30 with arginine.
Molecular consequence: missense variant.
Genome position (GRCh38, 1-based): chr14:54,902,575, G>C on the plus strand (C>G on the coding strand, the complement: GCH1 is on the minus strand). VCF-style: chr14-54902575-G-C. GRCh37 (hg19) VCF-style: chr14-55369293-G-C.
Other names: c.89C>G, p.Pro30Arg (NM_001024024.2, NM_001024070.2, NM_001024071.2); short protein forms P30R.
Identifiers: ClinVar variation 1360090 (VCV001360090.7), dbSNP rs1477733062, ClinGen allele CA389794441.

ClinVar aggregate classification (germline): Uncertain significance (1 of 4 stars; one submission).

Conditions:
Dystonia 5 (DRD). Also called: DYSTONIA, PROGRESSIVE, WITH DIURNAL VARIATION; DYSTONIA-PARKINSONISM WITH DIURNAL FLUCTUATION; GTP Cyclohydrolase 1-Deficient Dopa-Responsive Dystonia; Dystonia, DOPA-responsive, with or without hyperphenylalaninemia; DYT-GCH1. Identifiers: Orphanet 98808, MedGen C1851920, MONDO:0007495, OMIM 128230.
GTP cyclohydrolase I deficiency. Identifiers: MedGen C0268467, MONDO:0100184.

Allele frequency attached by ClinVar (database versions not stated): gnomAD 0.00001 and 0.00002; gnomAD exomes 0.00001; TOPMed 0.00001.
gnomAD v4.1: 8 of 1,493,930 alleles (0.00054%); highest among the groups gnomAD compares: Admixed American, 0.0024%; no homozygotes.

Submission:

Labcorp Genetics (formerly Invitae), Labcorp
Classification: Uncertain significance for GTP cyclohydrolase I deficiency; Dystonia 5. Last evaluated: 2025-10-02. Review status: criteria provided, single submitter. Criteria: Invitae Variant Classification Sherloc (09022015). Collection method: clinical testing. Allele origin: germline.
Comment: This sequence change replaces proline, which is neutral and non-polar, with arginine, which is basic and polar, at codon 30 of the GCH1 protein (p.Pro30Arg). This variant is not present in population databases (gnomAD no frequency). This variant has not been reported in the literature in individuals affected with GCH1-related conditions. ClinVar contains an entry for this variant (Variation ID: 1360090). Invitae Evidence Modeling of protein sequence and biophysical properties (such as structural, functional, and spatial information, amino acid conservation, physicochemical variation, residue mobility, and thermodynamic stability) indicates that this missense variant is not expected to disrupt GCH1 protein function with a negative predictive value of 95%. In summary, the available evidence is currently insufficient to determine the role of this variant in disease. Therefore, it has been classified as a Variant of Uncertain Significance.